The following is an entry in ClinVar:

ClinVar aggregate classification (germline): Uncertain significance. Review status: criteria provided, multiple submitters, no conflicts (2 of 4 stars). 2 submissions from 2 submitters: Uncertain significance (2). Last evaluated 2022-11-23.

Conditions:
Inborn genetic diseases. Identifiers: MedGen C0950123, MeSH D030342.
FAN1-related disorder. Also called: FAN1-related condition.

Allele frequency attached by ClinVar (database versions not stated): TOPMed 0.00002; gnomAD exomes 0.00003; ExAC 0.00007; 1000 Genomes Project 30x 0.00016; 1000 Genomes Project 0.00020.
gnomAD v4.1: 55 of 1,614,140 alleles (0.0034%); highest among the groups gnomAD compares: South Asian, 0.026%; no homozygotes.

Submissions (2):

PreventionGenetics, part of Exact Sciences
Classification: Uncertain significance for FAN1-related condition. Last evaluated: 2022-11-23. Review status: criteria provided, single submitter. Criteria: ACMG Guidelines, 2015. Collection method: clinical testing. Allele origin: germline.
Comment: The FAN1 c.1690G>A variant is predicted to result in the amino acid substitution p.Ala564Thr. To our knowledge, this variant has not been reported in the literature. This variant is reported in 0.020% of alleles in individuals of South Asian descent in gnomAD. At this time, the clinical significance of this variant is uncertain due to the absence of conclusive functional and genetic evidence.

Ambry Genetics
Classification: Uncertain significance for Inborn genetic diseases. Last evaluated: 2021-06-11. Review status: criteria provided, single submitter. Criteria: Ambry Variant Classification Scheme 2023. Collection method: clinical testing. Allele origin: germline.

NM_014967.5(FAN1):c.1690G>A (p.Ala564Thr)

Gene: FAN1 (FANCD2 and FANCI associated nuclease 1; plus strand). Cytogenetic location: 15q13.3.
Variant type: single nucleotide variant.
Coding change: c.1690G>A on transcript NM_014967.5 (MANE Select); coding-DNA position 1690, G replaced by A.
Protein change: p.Ala564Thr; replaces alanine 564 with threonine.
Molecular consequence: missense variant.
Genome position (GRCh38, 1-based): chr15:30,913,970, G>A. VCF-style: chr15-30913970-G-A. GRCh37 (hg19) VCF-style: chr15-31206173-G-A.
Other names: short protein forms A564T.
Identifiers: ClinVar variation 2206137 (VCV002206137.3), dbSNP rs565689759, ClinGen allele CA7450381.